The following is an entry in ClinVar:

ClinVar aggregate classification (germline): Uncertain significance (1 of 4 stars; one submission).

Conditions:
Early-infantile DEE. Also called: Ohtahara syndrome; Early infantile epileptic encephalopathy with suppression bursts; Early infantile epileptic encephalopathy. Identifiers: Orphanet 1934, MedGen C0393706, MONDO:0800491.

Submission:

Labcorp Genetics (formerly Invitae), Labcorp
Classification: Uncertain significance for Early-infantile DEE. Last evaluated: 2025-07-14. Review status: criteria provided, single submitter. Criteria: Invitae Variant Classification Sherloc (09022015). Collection method: clinical testing. Allele origin: germline.
Comment: This sequence change replaces phenylalanine, which is neutral and non-polar, with leucine, which is neutral and non-polar, at codon 73 of the KCNQ2 protein (p.Phe73Leu). This variant is not present in population databases (gnomAD no frequency). This variant has not been reported in the literature in individuals affected with KCNQ2-related conditions. ClinVar contains an entry for this variant (Variation ID: 2093083). Invitae Evidence Modeling of protein sequence and biophysical properties (such as structural, functional, and spatial information, amino acid conservation, physicochemical variation, residue mobility, and thermodynamic stability) has been performed for this missense variant. However, the output from this modeling did not meet the statistical confidence thresholds required to predict the impact of this variant on KCNQ2 protein function. In summary, the available evidence is currently insufficient to determine the role of this variant in disease. Therefore, it has been classified as a Variant of Uncertain Significance.

NM_172107.4(KCNQ2):c.219C>A (p.Phe73Leu)

Gene: KCNQ2 (potassium voltage-gated channel subfamily Q member 2; minus strand). Cytogenetic location: 20q13.33.
Variant type: single nucleotide variant.
Coding change: c.219C>A on transcript NM_172107.4 (MANE Select); coding-DNA position 219, C replaced by A.
Protein change: p.Phe73Leu; replaces phenylalanine 73 with leucine.
Molecular consequence: missense variant.
Genome position (GRCh38, 1-based): chr20:63,472,245, G>T on the plus strand (C>A on the coding strand, the complement: KCNQ2 is on the minus strand). VCF-style: chr20-63472245-G-T. GRCh37 (hg19) VCF-style: chr20-62103598-G-T.
Other names: c.219C>A, p.Phe73Leu (NM_001382235.1, NM_004518.6, NM_172106.3 and 2 more transcripts); short protein forms F73L.
Identifiers: ClinVar variation 2093083 (VCV002093083.4), dbSNP rs756726844, ClinGen allele CA409635143.